The following is an entry in ClinVar:

ClinVar aggregate classification (germline): Conflicting classifications of pathogenicity. Review status: criteria provided, conflicting classifications (1 of 4 stars). 3 submissions from 3 submitters: Uncertain significance (1); Likely benign (2). Last evaluated 2025-05-05.

Conditions:
Autosomal dominant Parkinson disease 8. Also called: Parkinson disease 8, susceptibility to; LRRK2-Related Parkinson Disease; Parkinson disease 8. Identifiers: Orphanet 411602, MedGen C1846862, MONDO:0011764, OMIM 607060.

Allele frequency attached by ClinVar (database versions not stated): gnomAD 0.00001; ExAC 0.00002; gnomAD exomes 0.00002; TOPMed 0.00002.
gnomAD v4.1: 29 of 1,613,758 alleles (0.0018%); highest among the groups gnomAD compares: Middle Eastern, 0.016%; no homozygotes.

Submissions (3):

Labcorp Genetics (formerly Invitae), Labcorp
Classification: Likely benign for Autosomal dominant Parkinson disease 8. Last evaluated: 2025-05-05. Review status: criteria provided, single submitter. Criteria: Invitae Variant Classification Sherloc (09022015). Collection method: clinical testing. Allele origin: germline.

Women's Health and Genetics/Laboratory Corporation of America, LabCorp
Classification: Uncertain significance. Last evaluated: 2025-03-19. Review status: criteria provided, single submitter. Criteria: LabCorp Variant Classification Summary - May 2015. Collection method: clinical testing. Allele origin: germline.
Comment: Variant summary: LRRK2 c.5948+8G>C alters a non-conserved nucleotide located close to a canonical splice site and therefore could affect mRNA splicing, leading to a significantly altered protein sequence. Consensus agreement among computation tools predict no significant impact on normal splicing. However, these predictions have yet to be confirmed by functional studies. The variant allele was found at a frequency of 1.8e-05 in 1613758 control chromosomes. This frequency is not significantly higher than estimated for a pathogenic variant in LRRK2 causing Autosomal dominant Parkinson disease 8 (1.8e-05 vs 0.0001), allowing no conclusion about variant significance. To our knowledge, no occurrence of c.5948+8G>C in individuals affected with Autosomal dominant Parkinson disease 8 and no experimental evidence demonstrating its impact on protein function have been reported. ClinVar contains an entry for this variant (Variation ID: 1535918). Based on the evidence outlined above, the variant was classified as uncertain significance.

CeGaT Center for Human Genetics Tuebingen
Classification: Likely benign. Last evaluated: 2022-11-01. Review status: criteria provided, single submitter. Criteria: CeGaT Center For Human Genetics Tuebingen Variant Classification Criteria Version 2. Collection method: clinical testing. Allele origin: germline. Affected: yes. Observed: 1 variant allele.
Comment: LRRK2: BP4

NM_198578.4(LRRK2):c.5948+8G>C

Gene: LRRK2 (leucine rich repeat kinase 2; plus strand). Cytogenetic location: 12q12.
Variant type: single nucleotide variant.
Coding change: c.5948+8G>C on transcript NM_198578.4 (MANE Select); 8 bases into the intron after coding-DNA position 5948, G replaced by C.
Molecular consequence: intron variant.
Genome position (GRCh38, 1-based): chr12:40,335,165, G>C. VCF-style: chr12-40335165-G-C. GRCh37 (hg19) VCF-style: chr12-40728967-G-C.
Identifiers: ClinVar variation 1535918 (VCV001535918.32), dbSNP rs756480297, ClinGen allele CA6514567.